The following is an entry in ClinVar:

NM_007294.4(BRCA1):c.1953_1956del (p.Lys653fs)

Gene: BRCA1 (BRCA1 DNA repair associated; minus strand). Cytogenetic location: 17q21.31.
Variant type: Deletion.
Coding change: c.1953_1956del on transcript NM_007294.4 (MANE Select); coding-DNA positions 1953 to 1956, 4 bases deleted (GAAA; older notation c.1953_1956delGAAA).
Protein change: p.Lys653fs; shifts the reading frame from lysine 653.
Molecular consequence: frameshift variant. On other transcripts: intron variant (137).
Genome position (GRCh38, 1-based): chr17:43,093,575-43,093,578, TTTC deleted on the plus strand (GAAA on the coding strand, the reverse complement: BRCA1 is on the minus strand); deleting any 4 consecutive bases within chr17:43,093,575-43,093,581 gives the same sequence; the c. name uses the placement nearest the transcript's 3' end. VCF-style (leftmost placement, unchanged base first): chr17-43093574-TTTTC-T. GRCh37 (hg19) VCF-style: chr17-41245591-TTTTC-T.
Other names: 2072delGAAA; 2072_2075delGAAA; NP_009225.1:p.Lys653SerfsTer47; 2072del4; c.1953_1956delGAAA (NM_007294.3); c.1740_1743del, p.Lys582fs (NM_001407896.1, NM_001407897.1, NM_001407898.1 and 9 more transcripts); c.1743_1746del, p.Lys583fs (NM_001407900.1, NM_001407902.1, NM_001407904.1 and 13 more transcripts); c.1830_1833del, p.Lys612fs (NM_001407919.1, NM_001407937.1, NM_001407938.1 and 19 more transcripts); and 45 more; short protein forms K606fs, K653fs, K542fs, K564fs, K565fs, K586fs, K357fs, K526fs.
Identifiers: ClinVar variation 37435 (VCV000037435.91), dbSNP rs80357526, ClinGen allele CA001293.

ClinVar aggregate classification (germline): Pathogenic. Review status: reviewed by expert panel (3 of 4 stars). 29 submissions from 29 submitters: Pathogenic (1). 28 of the submissions do not count toward it. Last evaluated 2016-04-22.

Conditions:
BRCA1-related cancer predisposition. Identifiers: MedGen CN377757, MONDO:0700268.
Inherited breast cancer and ovarian cancer.
Breast and/or ovarian cancer. Identifiers: MedGen CN221562.
Hereditary cancer-predisposing syndrome. Also called: Neoplastic Syndromes, Hereditary; Tumor predisposition; Hereditary Cancer Syndrome; Hereditary neoplastic syndrome. Identifiers: Orphanet 140162, MedGen C0027672, MeSH D009386, MONDO:0015356.
Hereditary breast ovarian cancer syndrome. Also called: Hereditary breast and ovarian cancer; Breast and ovarian cancer; Hereditary breast and/or ovarian cancer syndrome; Hereditary breast and ovarian cancer syndrome (HBOC); Hereditary breast and ovarian cancer syndrome; BRCA1- and BRCA2-Associated Hereditary Breast and Ovarian Cancer. Identifiers: Orphanet 145, MedGen C0677776, MeSH D061325, MONDO:0003582. Disease mechanism: loss of function.
Ovarian neoplasm. Also called: Ovarian tumor; Neoplasm of ovary; Ovarian Neoplasms. Identifiers: MedGen C0919267, MeSH D010051, MONDO:0021068, HP:0100615.
Breast-ovarian cancer, familial, susceptibility to, 1 (BROVCA1). Also called: OVARIAN CANCER, SUSCEPTIBILITY TO; BRCA1 Hereditary Breast and Ovarian Cancer. Identifiers: Orphanet 145, MedGen C2676676, MONDO:0011450, OMIM 604370. Disease mechanism: loss of function.
Familial cancer of breast. Also called: BREAST CANCER, FAMILIAL; Hereditary breast cancer; hereditary breast carcinoma. Identifiers: Orphanet 227535, MedGen C0346153, MONDO:0016419, OMIM 114480. Disease mechanism: loss of function.

Submissions 1 to 10 of 29:

Evidence-based Network for the Interpretation of Germline Mutant Alleles (ENIGMA)
Classification: Pathogenic for Breast-ovarian cancer, familial, susceptibility to, 1. Last evaluated: 2016-04-22. Review status: reviewed by expert panel. Criteria: ENIGMA BRCA1/2 Classification Criteria (2015). Collection method: curation. Allele origin: germline.
Comment: Variant allele predicted to encode a truncated non-functional protein.

Genetics Laboratory, Great Ormond Street Hospital NHS Foundation Trust, North Thames Genomic Laboratory Hub
Classification: Pathogenic for Inherited breast cancer and ovarian cancer. Last evaluated: 2026-03-18. Review status: criteria provided, single submitter. Criteria: CanVIG BRCA Gene Specific V1.22. Collection method: clinical testing. Allele origin: germline. Affected: yes. Not counted in ClinVar's aggregate classification.
Comment: PS4_strong, PM2_supporting, PVS1_very-strong, PM5_strong

Labcorp Genetics (formerly Invitae), Labcorp
Classification: Pathogenic for Hereditary breast ovarian cancer syndrome. Last evaluated: 2025-12-10. Review status: criteria provided, single submitter. Criteria: Invitae Variant Classification Sherloc (09022015). Collection method: clinical testing. Allele origin: germline. Not counted in ClinVar's aggregate classification.
Comment: This sequence change creates a premature translational stop signal (p.Lys653Serfs*47) in the BRCA1 gene. It is expected to result in an absent or disrupted protein product. Loss-of-function variants in BRCA1 are known to be pathogenic (PMID: 20104584). This variant is not present in population databases (gnomAD no frequency). This premature translational stop signal has been observed in individual(s) with breast and/or ovarian cancer (PMID: 10528853, 22434525, 23479189, 24827135). This variant is also known as 2072delGAAA and 2072del4. ClinVar contains an entry for this variant (Variation ID: 37435). For these reasons, this variant has been classified as Pathogenic.

Color Diagnostics, LLC DBA Color Health
Classification: Pathogenic for Hereditary cancer-predisposing syndrome. Last evaluated: 2025-12-08. Review status: criteria provided, single submitter. Criteria: ACMG Guidelines, 2015. Collection method: clinical testing. Allele origin: germline. Not counted in ClinVar's aggregate classification.
Comment: This variant deletes 4 nucleotides in exon 10 of the BRCA1 gene, creating a frameshift and premature translation stop signal. This variant is expected to result in an absent or non-functional protein product. This variant has been reported in over 20 individuals affected with breast and/or ovarian cancer (PMID: 9667259, 10528853, 11179017, 17148771, 17319787, 21120943, 21324516, 22434525, 23249957, 23479189, 24010542, 24827135, 28050010, 28123851, 28194609, 28715532, 29168416, 30078507, 30199306, 34657373). Multifactorial analysis reached a likelihood ratio (LR) of 198.954 based on personal and family history for 7 carriers (PMID: 31853058). This variant has been identified in 5/1613952 chromosomes in the general population by the Genome Aggregation Database (gnomAD). Loss of BRCA1 function is a known mechanism of disease. Based on the available evidence, this variant is classified as Pathogenic.

Ambry Genetics
Classification: Pathogenic for Hereditary cancer-predisposing syndrome. Last evaluated: 2025-05-21. Review status: criteria provided, single submitter. Criteria: Ambry Variant Classification Scheme 2023. Collection method: clinical testing. Allele origin: germline. Not counted in ClinVar's aggregate classification.
Comment: The c.1953_1956delGAAA pathogenic mutation, located in coding exon 9 of the BRCA1 gene, results from a deletion of 4 nucleotides at nucleotide positions 1953 to 1956, causing a translational frameshift with a predicted alternate stop codon (p.K653Sfs*47). This mutation has been identified in multiple individuals/families with hereditary breast and ovarian cancer (HBOC) syndrome (van Orsouw NJ et al. J. Med. Genet. 1999 Oct;36:747-53; Zhang S et al. Gynecol. Oncol. 2011 May;121:353-7; Fostira F et al. Breast Cancer Res. Treat. 2012 Jul;134:353-62; de Juan Jim&eacute;nez I et al. Fam. Cancer. 2013 Dec;12:767-77; Lerner-Ellis J et al. Breast Cancer Res Treat. 2017 Apr;162(3):591-596). Of note, this alteration is also designated as "delGAAA, 2072" and 2072del4 in published literature. In addition to the clinical data presented in the literature, this alteration is expected to result in loss of function by premature protein truncation or nonsense-mediated mRNA decay. As such, this alteration is interpreted as a disease-causing mutation.

All of Us Research Program, National Institutes of Health
Classification: Pathogenic for BRCA1-related cancer predisposition. Last evaluated: 2024-08-31. Review status: criteria provided, single submitter. Criteria: ACMG Guidelines, 2015. Collection method: clinical testing. Allele origin: germline. Inheritance: Autosomal dominant inheritance. Observed: 2 variant alleles, 2 heterozygotes. Not counted in ClinVar's aggregate classification.
Comment: This variant deletes 4 nucleotides in exon 10 of the BRCA1 gene, creating a frameshift and premature translation stop signal. This variant is expected to result in an absent or non-functional protein product. This variant has been reported in individuals affected with breast and/or ovarian cancer (PMID: 9667259, 10528853, 11179017, 17148771, 17319787, 21120943, 21324516, 22434525, 23249957, 23479189, 24010542, 24827135, 28050010, 28123851, 28194609, 28715532, 29168416, 30078507). This variant has not been identified in the general population by the Genome Aggregation Database (gnomAD). Loss of BRCA1 function is a known mechanism of disease. Based on the available evidence, this variant is classified as Pathogenic.

This study involves interpretation of variants in research participants for the purpose of population health screening. Participant phenotype was not available at the time of variant classification. Additional details can be found in publication PMID: 35346344, PMCID: PMC8962531

Institute of Human Genetics, University of Leipzig Medical Center
Classification: Pathogenic for Familial cancer of breast. Last evaluated: 2024-06-26. Review status: criteria provided, single submitter. Criteria: ACMG Guidelines, 2015. Collection method: clinical testing. Allele origin: unknown. Inheritance: Autosomal dominant inheritance. Affected: yes. Not counted in ClinVar's aggregate classification.
Comment: Criteria applied: PVS1,PM5_STR

Baylor Genetics
Classification: Pathogenic for Breast-ovarian cancer, familial, susceptibility to, 1. Last evaluated: 2024-03-24. Review status: criteria provided, single submitter. Criteria: ACMG Guidelines, 2015. Collection method: clinical testing. Allele origin: unknown. Not counted in ClinVar's aggregate classification.

Clinical Genetics Laboratory, Skane University Hospital Lund
Classification: Pathogenic. Last evaluated: 2023-09-21. Review status: criteria provided, single submitter. Criteria: ACMG Guidelines, 2015. Collection method: clinical testing. Allele origin: germline. Affected: yes. Not counted in ClinVar's aggregate classification.

Revvity Omics, Revvity
Classification: Pathogenic. Last evaluated: 2023-02-22. Review status: criteria provided, single submitter. Criteria: ACMG Guidelines, 2015. Collection method: clinical testing. Allele origin: germline. Not counted in ClinVar's aggregate classification.